The following is an entry in ClinVar:

NM_002485.5(NBN):c.1417C>T (p.Gln473Ter)

Gene: NBN (nibrin; minus strand). Cytogenetic location: 8q21.3.
Variant type: single nucleotide variant.
Coding change: c.1417C>T on transcript NM_002485.5 (MANE Select); coding-DNA position 1417, C replaced by T.
Protein change: p.Gln473Ter; replaces glutamine 473 with a stop codon.
Molecular consequence: nonsense.
Genome position (GRCh38, 1-based): chr8:89,953,672, G>A on the plus strand (C>T on the coding strand, the complement: NBN is on the minus strand). VCF-style: chr8-89953672-G-A. GRCh37 (hg19) VCF-style: chr8-90965900-G-A.
Other names: c.1171C>T, p.Gln391Ter (NM_001024688.3); short protein forms Q391*, Q473*.
Identifiers: ClinVar variation 1073031 (VCV001073031.11), dbSNP rs755805461, ClinGen allele CA371655896.
Genomic context (GRCh38, chr8:89,953,672, plus strand): 5'-TTTGTTCTAAAAGAGAACAAGACGTTTCTATTCTTGCTGATTTGCATGAAGACATTTCTT[G>A]ATTTTCTTCATCCCTTTCCCTTAGATTTAAAAAAAAAGAAGAAAACAAAACAAGAAAATG-3'

ClinVar aggregate classification (germline): Pathogenic. Review status: criteria provided, multiple submitters, no conflicts (2 of 4 stars). 3 submissions from 3 submitters: Pathogenic (3). Last evaluated 2024-11-27.

Conditions:
Hereditary cancer-predisposing syndrome. Also called: Neoplastic Syndromes, Hereditary; Hereditary neoplastic syndrome; Tumor predisposition; Hereditary Cancer Syndrome. Identifiers: Orphanet 140162, MedGen C0027672, MeSH D009386, MONDO:0015356.
Microcephaly, normal intelligence and immunodeficiency (NBS). Also called: SEEMANOVA SYNDROME II; Immunodeficiency, microcephaly with normal intelligence; IMMUNODEFICIENCY, MICROCEPHALY, AND CHROMOSOMAL INSTABILITY; Ataxia telangiectasia variant V1; BERLIN BREAKAGE SYNDROME; Nijmegen breakage syndrome. Identifiers: Orphanet 647, MedGen C0398791, MONDO:0009623, OMIM 251260.

gnomAD v4.1: 1 of 1,610,646 alleles (0.000062%); highest among the groups gnomAD compares: East Asian, 0.0022%; no homozygotes.

Submissions (3):

Ambry Genetics
Classification: Pathogenic for Hereditary cancer-predisposing syndrome. Last evaluated: 2024-11-27. Review status: criteria provided, single submitter. Criteria: Ambry Variant Classification Scheme 2023. Collection method: clinical testing. Allele origin: germline.
Comment: The p.Q473* pathogenic mutation (also known as c.1417C>T), located in coding exon 11 of the NBN gene, results from a C to T substitution at nucleotide position 1417. This changes the amino acid from a glutamine to a stop codon within coding exon 11. This variant is considered to be rare based on population cohorts in the Genome Aggregation Database (gnomAD). This alteration is expected to result in loss of function by premature protein truncation or nonsense-mediated mRNA decay. As such, this alteration is interpreted as a disease-causing mutation.

Labcorp Genetics (formerly Invitae), Labcorp
Classification: Pathogenic for Microcephaly, normal intelligence and immunodeficiency. Last evaluated: 2024-01-05. Review status: criteria provided, single submitter. Criteria: Invitae Variant Classification Sherloc (09022015). Collection method: clinical testing. Allele origin: germline.
Comment: This sequence change creates a premature translational stop signal (p.Gln473*) in the NBN gene. It is expected to result in an absent or disrupted protein product. Loss-of-function variants in NBN are known to be pathogenic (PMID: 9590180, 16415040). This variant is present in population databases (no rsID available, gnomAD 0.006%). This variant has not been reported in the literature in individuals affected with NBN-related conditions. ClinVar contains an entry for this variant (Variation ID: 1073031). Algorithms developed to predict the effect of sequence changes on RNA splicing suggest that this variant may disrupt the consensus splice site. For these reasons, this variant has been classified as Pathogenic.

Genome-Nilou Lab
Classification: Pathogenic for Microcephaly, normal intelligence and immunodeficiency. Last evaluated: 2021-11-07. Review status: criteria provided, single submitter. Criteria: ACMG Guidelines, 2015. Collection method: clinical testing. Allele origin: germline. Affected: no.

Literature cited by the submitters: PubMed 9590180 (cited by Labcorp Genetics (formerly Invitae), Labcorp); PubMed 16415040 (cited by Labcorp Genetics (formerly Invitae), Labcorp).